The following is an entry in ClinVar:

GRCh37/hg19 16p13.11(chr16:15054346-16309165)x3

Genes: ABCC1 (ATP binding cassette subfamily C member 1 (ABCC1 blood group); plus strand), ABCC6 (ATP binding cassette subfamily C member 6; minus strand), BMERB1 (bMERB domain containing 1; plus strand), CEP20 (centrosomal protein 20; minus strand), MARF1 (meiosis regulator and mRNA stability factor 1; minus strand) and 7 more. Cytogenetic location: 16p13.11.
Variant type: copy number gain.
Change: copy number 3 (three copies instead of two) of chr16:15,054,346-16,309,165 (1.25 Mb, GRCh37 coordinates, 1-based), cytogenetic band 16p13.11.
Identifiers: ClinVar variation 2684790 (VCV002684790.1).

ClinVar aggregate classification (germline): Likely pathogenic (1 of 4 stars; one submission).

Submission:

Quest Diagnostics Nichols Institute San Juan Capistrano
Classification: Likely pathogenic. Last evaluated: 2022-11-08. Review status: criteria provided, single submitter. Criteria: ACMG/ClinGen CNV Guidelines, 2019. Collection method: clinical testing. Allele origin: unknown.
Comment: This copy number gain of 16p13.11 involves multiple protein-coding genes and confers susceptibility to a range of neurodevelopmental disorders and increased risk for cardiovascular disease (Allach El Khattabi et al., J Med Genet. 2018 Oct 4. Pii: jmedgenet-2018-105389. PMID: 30287593). Similar duplications are repeatedly observed in uncharacterized controls and in unaffected relatives (Ullmann R et al., Hum Mutat. 2007 Jul;28(7):674-82.PMID: 17480035; Hannes FD et al., J Med Genet. 2009 Apr;46(4):223-32. PMID: 18550696). However, the duplication is enriched in patients versus controls in multiple case-control studies (Coe et al., Nat Genet. 2014 Oct;46(10):1063-71., PMID: 25217958; Girirajan et al., N Engl J Med. 2012 Oct 4;367(14):1321-31., PMID: 22970919), with some exceptions (Kaminsky et al., Genet Med. 2011 Sep;13(9):777-84., PMID: 21844811). Thus, the clinical significance of this copy number variant (CNV) is likely pathogenic, with variable expressivity and incomplete penetrance.